The following is an entry in ClinVar:

NM_001204.7(BMPR2):c.1969C>G (p.Gln657Glu)

Gene: BMPR2 (bone morphogenetic protein receptor type 2; plus strand). Cytogenetic location: 2q33.2.
Variant type: single nucleotide variant.
Coding change: c.1969C>G on transcript NM_001204.7 (MANE Select); coding-DNA position 1969, C replaced by G.
Protein change: p.Gln657Glu; replaces glutamine 657 with glutamic acid.
Molecular consequence: missense variant.
Genome position (GRCh38, 1-based): chr2:202,555,634, C>G. VCF-style: chr2-202555634-C-G. GRCh37 (hg19) VCF-style: chr2-203420357-C-G.
Other names: short protein forms Q657E.
Identifiers: ClinVar variation 3824939 (VCV003824939.1).

ClinVar aggregate classification (germline): Uncertain significance (1 of 4 stars; one submission).

Conditions:
Inborn genetic diseases. Identifiers: MedGen C0950123, MeSH D030342.

Submission:

Ambry Genetics
Classification: Uncertain significance for Inborn genetic diseases. Last evaluated: 2025-03-03. Review status: criteria provided, single submitter. Criteria: Ambry Variant Classification Scheme 2023. Collection method: clinical testing. Allele origin: germline.
Comment: The p.Q657E variant (also known as c.1969C>G), located in coding exon 12 of the BMPR2 gene, results from a C to G substitution at nucleotide position 1969. The glutamine at codon 657 is replaced by glutamic acid, an amino acid with highly similar properties. This amino acid position is conserved. In addition, the in silico prediction for this alteration is inconclusive. Based on the available evidence, the clinical significance of this variant remains unclear.